The following is an entry in ClinVar:

ClinVar aggregate classification (germline): Pathogenic (1 of 4 stars; one submission).

Submission:

Labcorp Genetics (formerly Invitae), Labcorp
Classification: Pathogenic. Last evaluated: 2021-12-13. Review status: criteria provided, single submitter. Criteria: Invitae Variant Classification Sherloc (09022015). Collection method: clinical testing. Allele origin: germline.
Comment: This sequence change creates a premature translational stop signal (p.Gln2013*) in the SPTB gene. It is expected to result in an absent or disrupted protein product. Loss-of-function variants in SPTB are known to be pathogenic (PMID: 8844207, 26830532, 27292444). This variant is not present in population databases (gnomAD no frequency). This premature translational stop signal has been observed in individual(s) with clinical features of hereditary spherocytosis (PMID: 32436265). For these reasons, this variant has been classified as Pathogenic.

Literature cited by the submitters: PubMed 8844207; PubMed 26830532; PubMed 27292444; PubMed 32436265.

NM_001355436.2(SPTB):c.6037C>T (p.Gln2013Ter)

Gene: SPTB (spectrin beta, erythrocytic; minus strand). Cytogenetic location: 14q23.3.
Variant type: single nucleotide variant.
Coding change: c.6037C>T on transcript NM_001355436.2 (MANE Select); coding-DNA position 6037, C replaced by T.
Protein change: p.Gln2013Ter; replaces glutamine 2013 with a stop codon.
Molecular consequence: nonsense.
Genome position (GRCh38, 1-based): chr14:64,767,845, G>A on the plus strand (C>T on the coding strand, the complement: SPTB is on the minus strand). VCF-style: chr14-64767845-G-A. GRCh37 (hg19) VCF-style: chr14-65234563-G-A.
Other names: c.6037C>T, p.Gln2013Ter (NM_001024858.4, NM_001355437.2); short protein forms Q2013*.
Identifiers: ClinVar variation 2041790 (VCV002041790.4), dbSNP rs2503033097, ClinGen allele CA390039564.
Genomic context (GRCh38, chr14:64,767,845, plus strand): 5'-CCAGGTAGGGCTCCTGGGCAATCAGCCACGCCTCAGCCACAGAGGCATCCCTCGAGAACT[G>A]GCACACCTCCAGCACTGCCAGGGGGAACAGGACACAGACCCCCCACAAGGCCCAGGGCCT-3'